The following is an entry in ClinVar:

NM_000059.4(BRCA2):c.8875del (p.Glu2959fs)

Gene: BRCA2 (BRCA2 DNA repair associated; plus strand). Cytogenetic location: 13q13.1.
Variant type: Deletion.
Coding change: c.8875del on transcript NM_000059.4 (MANE Select); coding-DNA position 8875, one base deleted (G; older notation c.8875delG).
Protein change: p.Glu2959fs; shifts the reading frame from glutamic acid 2959.
Molecular consequence: frameshift variant. On other transcripts: non-coding transcript variant (1).
Genome position (GRCh38, 1-based): chr13:32,379,437, G deleted; the last of 2 consecutive G bases (chr13:32,379,436-32,379,437); deleting either gives the same sequence. VCF-style (leftmost placement, unchanged base first): chr13-32379435-AG-A. GRCh37 (hg19) VCF-style: chr13-32953572-AG-A.
Other names: c.8779del, p.Glu2927fs (NM_001406719.1); c.8875del, p.Glu2959fs (NM_001406720.1, NM_001432077.1); c.3943del, p.Glu1315fs (NM_001406721.1); c.2458del, p.Glu820fs (NM_001406722.1); short protein forms E2927fs, E2959fs, E820fs, E1315fs.
Identifiers: ClinVar variation 3992849 (VCV003992849.1).

ClinVar aggregate classification (germline): Pathogenic (1 of 4 stars; one submission).

Conditions:
Hereditary cancer-predisposing syndrome. Also called: Tumor predisposition; Hereditary neoplastic syndrome; Neoplastic Syndromes, Hereditary; Hereditary Cancer Syndrome. Identifiers: Orphanet 140162, MedGen C0027672, MeSH D009386, MONDO:0015356.

Submission:

Ambry Genetics
Classification: Pathogenic for Hereditary cancer-predisposing syndrome. Last evaluated: 2025-05-30. Review status: criteria provided, single submitter. Criteria: Ambry Variant Classification Scheme 2023. Collection method: clinical testing. Allele origin: germline.
Comment: The c.8875delG pathogenic mutation, located in coding exon 21 of the BRCA2 gene, results from a deletion of one nucleotide at nucleotide position 8875, causing a translational frameshift with a predicted alternate stop codon (p.E2959Nfs*17). This variant is considered to be rare based on population cohorts in the Genome Aggregation Database (gnomAD). This alteration is expected to result in loss of function by premature protein truncation or nonsense-mediated mRNA decay. As such, this alteration is interpreted as a disease-causing mutation.